The following is an entry in ClinVar:

ClinVar aggregate classification (germline): Uncertain significance (1 of 4 stars; one submission).

Conditions:
Retinitis pigmentosa 12 (RP12). Also called: RP WITH OR WITHOUT PPRPE; RP WITH OR WITHOUT PRESERVED PARAARTERIOLE RETINAL PIGMENT EPITHELIUM; RETINITIS PIGMENTOSA WITH OR WITHOUT PARAARTERIOLAR PRESERVATION OF RETINAL PIGMENT EPITHELIUM. Identifiers: Orphanet 791, MedGen C1838647, MONDO:0010818, OMIM 600105.
Leber congenital amaurosis 8 (LCA8). Identifiers: Orphanet 65, MedGen C3151202, MONDO:0013453, OMIM 613835.

Submission:

Labcorp Genetics (formerly Invitae), Labcorp
Classification: Uncertain significance for Leber congenital amaurosis 8; Retinitis pigmentosa 12. Last evaluated: 2024-01-02. Review status: criteria provided, single submitter. Criteria: Invitae Variant Classification Sherloc (09022015). Collection method: clinical testing. Allele origin: germline.
Comment: This sequence change replaces threonine, which is neutral and polar, with isoleucine, which is neutral and non-polar, at codon 1233 of the CRB1 protein (p.Thr1233Ile). This variant is not present in population databases (gnomAD no frequency). This variant has not been reported in the literature in individuals affected with CRB1-related conditions. ClinVar contains an entry for this variant (Variation ID: 958868). Advanced modeling of protein sequence and biophysical properties (such as structural, functional, and spatial information, amino acid conservation, physicochemical variation, residue mobility, and thermodynamic stability) performed at Invitae indicates that this missense variant is not expected to disrupt CRB1 protein function with a negative predictive value of 95%. In summary, the available evidence is currently insufficient to determine the role of this variant in disease. Therefore, it has been classified as a Variant of Uncertain Significance.

NM_201253.3(CRB1):c.3698C>T (p.Thr1233Ile)

Gene: CRB1 (crumbs cell polarity complex component 1; plus strand). Cytogenetic location: 1q31.3.
Variant type: single nucleotide variant.
Coding change: c.3698C>T on transcript NM_201253.3 (MANE Select); coding-DNA position 3698, C replaced by T.
Protein change: p.Thr1233Ile; replaces threonine 1233 with isoleucine.
Molecular consequence: missense variant. On other transcripts: non-coding transcript variant (2), intron variant (1).
Genome position (GRCh38, 1-based): chr1:197,435,561, C>T. VCF-style: chr1-197435561-C-T. GRCh37 (hg19) VCF-style: chr1-197404691-C-T.
Other names: c.3362C>T, p.Thr1121Ile (NM_001193640.2); c.3626C>T, p.Thr1209Ile (NM_001257965.2); c.2129-39C>T (NM_001257966.2); short protein forms T1121I, T1209I, T1233I.
Identifiers: ClinVar variation 958868 (VCV000958868.9), dbSNP rs1665116355, ClinGen allele CA344050492.
Genomic context (GRCh38, chr1:197,435,561, plus strand): 5'-TGGATATAGACAACTGCCAGAGTCACCAGTGTGCAAATGGAGCCACCTGCATTAGTCATA[C>T]TAATGGCTATTCTTGCCTCTGTTTTGGAAATTTTACAGGAAAATTTTGCAGGTGAGCATA-3'
Protein context (NP_957705.1, residues 1223-1243): CANGATCISH[Thr1233Ile]NGYSCLCFGN